The following is an entry in ClinVar:

NM_020937.4(FANCM):c.709A>T (p.Asn237Tyr)

Gene: FANCM (FA complementation group M; plus strand). Cytogenetic location: 14q21.2.
Variant type: single nucleotide variant.
Coding change: c.709A>T on transcript NM_020937.4 (MANE Select); coding-DNA position 709, A replaced by T.
Protein change: p.Asn237Tyr; replaces asparagine 237 with tyrosine.
Molecular consequence: missense variant. On other transcripts: intron variant (1).
Genome position (GRCh38, 1-based): chr14:45,140,659, A>T. VCF-style: chr14-45140659-A-T. GRCh37 (hg19) VCF-style: chr14-45609862-A-T.
Other names: c.709A>T, p.Asn237Tyr (NM_001308134.2); c.681+3418A>T (NM_001308133.2); short protein forms N237Y.
Identifiers: ClinVar variation 4985931 (VCV004985931.1).

ClinVar aggregate classification (germline): Uncertain significance (1 of 4 stars; one submission).

Conditions:
FANCM-related disorder. Also called: FANCM-related condition.

gnomAD v4.1: 8 of 1,603,206 alleles (0.0005%); highest among the groups gnomAD compares: Non-Finnish European, 0.00068%; no homozygotes.

Submission:

PreventionGenetics, part of Exact Sciences
Classification: Uncertain significance for FANCM-related condition. Last evaluated: 2026-05-14. Review status: criteria provided, single submitter. Criteria: ACMG Guidelines, 2015. Collection method: clinical testing. Allele origin: germline.
Comment: The FANCM c.709A>T variant is predicted to result in the amino acid substitution p.Asn237Tyr. To our knowledge, this variant has not been reported in the literature. This variant is reported in 0.0035% of alleles in individuals of European (Non-Finnish) descent in gnomAD. At this time, the clinical significance of this variant is uncertain due to the absence of conclusive functional and genetic evidence.